The following is an entry in ClinVar:

ClinVar aggregate classification (germline): Likely benign. Review status: criteria provided, multiple submitters, no conflicts (2 of 4 stars). 4 submissions from 4 submitters: Likely benign (4). Last evaluated 2025-10-26.

Conditions:
DNM2-related disorder. Also called: DNM2-related condition.
Inborn genetic diseases. Identifiers: MedGen C0950123, MeSH D030342.
Charcot-Marie-Tooth disease dominant intermediate B (CMTDIB). Also called: CHARCOT-MARIE-TOOTH NEUROPATHY, DOMINANT INTERMEDIATE B; Charcot-Marie-Tooth disease dominant intermediate 1; CMT DI1; Charcot-Marie-Tooth disease dominant intermediate I. Identifiers: Orphanet 100044, Orphanet 228179, MedGen C1847902, MONDO:0011674, OMIM 606482.

Allele frequency attached by ClinVar (database versions not stated): gnomAD 0.00012 and 0.00014; TOPMed 0.00023; 1000 Genomes Project 0.00100; 1000 Genomes Project 30x 0.00109; gnomAD exomes 0.00004 and 0.00005; ESP Exome Variant Server 0.00008; ExAC 0.00009.
gnomAD v4.1: 81 of 1,614,102 alleles (0.005%); highest among the groups gnomAD compares: Admixed American, 0.032%; no homozygotes.

Submissions (4):

Labcorp Genetics (formerly Invitae), Labcorp
Classification: Likely benign for Charcot-Marie-Tooth disease dominant intermediate B. Last evaluated: 2025-10-26. Review status: criteria provided, single submitter. Criteria: Invitae Variant Classification Sherloc (09022015). Collection method: clinical testing. Allele origin: germline.

PreventionGenetics, part of Exact Sciences
Classification: Likely benign for DNM2-related condition. Last evaluated: 2025-01-27. Review status: criteria provided, single submitter. Criteria: ACMG Guidelines, 2015. Collection method: clinical testing. Allele origin: germline.
Comment: This variant is classified as likely benign based on ACMG/AMP sequence variant interpretation guidelines (Richards et al. 2015 PMID: 25741868, with internal and published modifications).

Ambry Genetics
Classification: Likely benign for Inborn genetic diseases. Last evaluated: 2019-07-11. Review status: criteria provided, single submitter. Criteria: Ambry Variant Classification Scheme 2023. Collection method: clinical testing. Allele origin: germline.

GeneDx
Classification: Likely benign. Last evaluated: 2017-07-05. Review status: criteria provided, single submitter. Criteria: GeneDx Variant Classification (06012015). Collection method: clinical testing. Allele origin: germline. Affected: yes.
Comment: This variant is considered likely benign or benign based on one or more of the following criteria: it is a conservative change, it occurs at a poorly conserved position in the protein, it is predicted to be benign by multiple in silico algorithms, and/or has population frequency not consistent with disease.

NM_001005361.3(DNM2):c.957C>T (p.Pro319=)

Gene: DNM2 (dynamin 2; plus strand). Cytogenetic location: 19p13.2.
Variant type: single nucleotide variant.
Coding change: c.957C>T on transcript NM_001005361.3 (MANE Select); coding-DNA position 957, C replaced by T.
Protein change: p.Pro319=; no amino-acid change (proline 319 retained).
Molecular consequence: synonymous variant.
Genome position (GRCh38, 1-based): chr19:10,786,671, C>T. VCF-style: chr19-10786671-C-T. GRCh37 (hg19) VCF-style: chr19-10897347-C-T.
Other names: c.957C>T, p.Pro319= (NM_001005360.3, NM_001005362.3, NM_001190716.2 and 1 more transcripts).
Identifiers: ClinVar variation 510490 (VCV000510490.14), dbSNP rs141911457, ClinGen allele CA9200936.